The following is an entry in ClinVar:

ClinVar aggregate classification (germline): Uncertain significance. Review status: criteria provided, multiple submitters, no conflicts (2 of 4 stars). 5 submissions from 5 submitters: Uncertain significance (5). Last evaluated 2023-11-17.

Conditions:
Cardiovascular phenotype. Identifiers: MedGen CN230736.
Hypertrophic cardiomyopathy. Also called: HYPERTROPHIC MYOCARDIOPATHY. Identifiers: Orphanet 217569, MedGen C0007194, MeSH D002312, MONDO:0005045, HP:0001639.

Submissions (5):

Labcorp Genetics (formerly Invitae), Labcorp
Classification: Uncertain significance for Hypertrophic cardiomyopathy. Last evaluated: 2023-11-17. Review status: criteria provided, single submitter. Criteria: Invitae Variant Classification Sherloc (09022015). Collection method: clinical testing. Allele origin: germline.
Comment: This sequence change replaces isoleucine, which is neutral and non-polar, with leucine, which is neutral and non-polar, at codon 195 of the TNNI3 protein (p.Ile195Leu). This variant is not present in population databases (gnomAD no frequency). This variant has not been reported in the literature in individuals affected with TNNI3-related conditions. ClinVar contains an entry for this variant (Variation ID: 229333). An algorithm developed to predict the effect of missense changes on protein structure and function (PolyPhen-2) suggests that this variant is likely to be tolerated. In summary, the available evidence is currently insufficient to determine the role of this variant in disease. Therefore, it has been classified as a Variant of Uncertain Significance.

Ambry Genetics
Classification: Uncertain significance for Cardiovascular phenotype. Last evaluated: 2023-10-19. Review status: criteria provided, single submitter. Criteria: Ambry Variant Classification Scheme 2023. Collection method: clinical testing. Allele origin: germline.
Comment: The p.I195L variant (also known as c.583A>C), located in coding exon 8 of the TNNI3 gene, results from an A to C substitution at nucleotide position 583. The isoleucine at codon 195 is replaced by leucine, an amino acid with highly similar properties. This amino acid position is well conserved in available vertebrate species. In addition, the in silico prediction for this alteration is inconclusive. Since supporting evidence is limited at this time, the clinical significance of this alteration remains unclear.

GeneDx
Classification: Uncertain significance. Last evaluated: 2021-09-09. Review status: criteria provided, single submitter. Criteria: GeneDx Variant Classification Process June 2021. Collection method: clinical testing. Allele origin: germline. Affected: yes.
Comment: Has not been previously published as pathogenic or benign to our knowledge; Reported in ClinVar as a variant of uncertain significance (ClinVar Variant ID# 229333; Landrum et al., 2016); Not observed at significant frequency in large population cohorts (Lek et al., 2016); In silico analysis supports that this missense variant does not alter protein structure/function; This variant is associated with the following publications: (PMID: 26582918)

Blueprint Genetics
Classification: Uncertain significance. Last evaluated: 2020-08-21. Review status: criteria provided, single submitter. Criteria: ACMG Guidelines, 2015. Collection method: clinical testing. Allele origin: germline.

Laboratory for Molecular Medicine, Mass General Brigham Personalized Medicine
Classification: Uncertain significance. Last evaluated: 2016-01-14. Review status: criteria provided, single submitter. Criteria: LMM Criteria. Collection method: clinical testing. Allele origin: germline. Observed: 1 variant allele.
Comment: The p.Ile195Leu variant in TNNI3 has not been previously reported in patients wi th cardiomyopathy and was absent from large population studies. Computational pr ediction tools and conservation analysis suggest that the p.Ile195Leu variant ma y not impact the protein, though this information is not predictive enough to ru le out pathogenicity. In summary, the clinical significance of the p.Ile195Leu v ariant is uncertain.

NM_000363.5(TNNI3):c.583A>C (p.Ile195Leu)

Gene: TNNI3 (troponin I3, cardiac type; minus strand). Cytogenetic location: 19q13.42.
Variant type: single nucleotide variant.
Coding change: c.583A>C on transcript NM_000363.5 (MANE Select); coding-DNA position 583, A replaced by C.
Protein change: p.Ile195Leu; replaces isoleucine 195 with leucine.
Molecular consequence: missense variant.
Genome position (GRCh38, 1-based): chr19:55,151,884, T>G on the plus strand (A>C on the coding strand, the complement: TNNI3 is on the minus strand). VCF-style: chr19-55151884-T-G. GRCh37 (hg19) VCF-style: chr19-55663252-T-G.
Other names: short protein forms I195L.
Identifiers: ClinVar variation 229333 (VCV000229333.12), dbSNP rs876658024, ClinGen allele CA10577114.